The following is an entry in ClinVar:

ClinVar aggregate classification (germline): Uncertain significance (1 of 4 stars; one submission).

Conditions:
Cardiovascular phenotype. Identifiers: MedGen CN230736.

gnomAD v4.1: 2 of 1,552,910 alleles (0.00013%); highest among the groups gnomAD compares: Non-Finnish European, 0.00017%; no homozygotes.

Submission:

Ambry Genetics
Classification: Uncertain significance for Cardiovascular phenotype. Last evaluated: 2023-12-07. Review status: criteria provided, single submitter. Criteria: Ambry Variant Classification Scheme 2023. Collection method: clinical testing. Allele origin: germline.
Comment: The p.N50I variant (also known as c.149A>T), located in coding exon 1 of the LOX gene, results from an A to T substitution at nucleotide position 149. The asparagine at codon 50 is replaced by isoleucine, an amino acid with dissimilar properties. This amino acid position is conserved. In addition, this alteration is predicted to be tolerated by in silico analysis. Since supporting evidence is limited at this time, the clinical significance of this alteration remains unclear.

NM_002317.7(LOX):c.149A>T (p.Asn50Ile)

Genes: LOX (lysyl oxidase; minus strand), SRFBP1 (serum response factor binding protein 1; plus strand). Cytogenetic location: 5q23.1.
Variant type: single nucleotide variant.
Coding change: c.149A>T on transcript NM_002317.7 (MANE Select); coding-DNA position 149, A replaced by T.
Protein change: p.Asn50Ile; replaces asparagine 50 with isoleucine.
Molecular consequence: missense variant.
Genome position (GRCh38, 1-based): chr5:122,077,837, T>A on the plus strand (A>T on the coding strand, the complement: LOX is on the minus strand). VCF-style: chr5-122077837-T-A. GRCh37 (hg19) VCF-style: chr5-121413532-T-A.
Other names: short protein forms N50I.
Identifiers: ClinVar variation 3222069 (VCV003222069.1), dbSNP rs2532918055, ClinGen allele CA360877959.